The following is an entry in ClinVar:

ClinVar aggregate classification (germline): Uncertain significance (1 of 4 stars; one submission).

Conditions:
Hyperornithinemia-hyperammonemia-homocitrullinuria syndrome (HHHS). Also called: HHH SYNDROME; Ornithine translocase deficiency. Identifiers: Orphanet 415, MedGen C0268540, MONDO:0009393, OMIM 238970.

Allele frequency attached by ClinVar (database versions not stated): gnomAD exomes below 0.00001; ExAC 0.00002.

Submission:

Labcorp Genetics (formerly Invitae), Labcorp
Classification: Uncertain significance for Hyperornithinemia-hyperammonemia-homocitrullinuria syndrome. Last evaluated: 2022-01-16. Review status: criteria provided, single submitter. Criteria: Invitae Variant Classification Sherloc (09022015). Collection method: clinical testing. Allele origin: germline.
Comment: This sequence change replaces valine, which is neutral and non-polar, with isoleucine, which is neutral and non-polar, at codon 24 of the SLC25A15 protein (p.Val24Ile). This variant is present in population databases (rs760167822, gnomAD 0.006%). This variant has not been reported in the literature in individuals affected with SLC25A15-related conditions. Algorithms developed to predict the effect of missense changes on protein structure and function are either unavailable or do not agree on the potential impact of this missense change (SIFT: "Tolerated"; PolyPhen-2: "Possibly Damaging"; Align-GVGD: "Class C0"). In summary, the available evidence is currently insufficient to determine the role of this variant in disease. Therefore, it has been classified as a Variant of Uncertain Significance.

NM_014252.4(SLC25A15):c.70G>A (p.Val24Ile)

Gene: SLC25A15 (solute carrier family 25 member 15; plus strand). Cytogenetic location: 13q14.11.
Variant type: single nucleotide variant.
Coding change: c.70G>A on transcript NM_014252.4 (MANE Select); coding-DNA position 70, G replaced by A.
Protein change: p.Val24Ile; replaces valine 24 with isoleucine.
Molecular consequence: missense variant. On other transcripts: non-coding transcript variant (2).
Genome position (GRCh38, 1-based): chr13:40,799,071, G>A. VCF-style: chr13-40799071-G-A. GRCh37 (hg19) VCF-style: chr13-41373207-G-A.
Other names: short protein forms V24I.
Identifiers: ClinVar variation 2110339 (VCV002110339.1), dbSNP rs760167822, ClinGen allele CA6959619.